The following is an entry in ClinVar:

ClinVar aggregate classification (germline): Uncertain significance (1 of 4 stars; one submission).

Submission:

Labcorp Genetics (formerly Invitae), Labcorp
Classification: Uncertain significance. Last evaluated: 2023-11-17. Review status: criteria provided, single submitter. Criteria: Invitae Variant Classification Sherloc (09022015). Collection method: clinical testing. Allele origin: germline.
Comment: This sequence change replaces tyrosine, which is neutral and polar, with cysteine, which is neutral and slightly polar, at codon 892 of the POLE protein (p.Tyr892Cys). This variant is not present in population databases (gnomAD no frequency). This variant has not been reported in the literature in individuals affected with POLE-related conditions. Advanced modeling of protein sequence and biophysical properties (such as structural, functional, and spatial information, amino acid conservation, physicochemical variation, residue mobility, and thermodynamic stability) performed at Invitae indicates that this missense variant is expected to disrupt POLE protein function with a positive predictive value of 80%. In summary, the available evidence is currently insufficient to determine the role of this variant in disease. Therefore, it has been classified as a Variant of Uncertain Significance.

NM_006231.4(POLE):c.2675A>G (p.Tyr892Cys)

Gene: POLE (DNA polymerase epsilon, catalytic subunit; minus strand). Cytogenetic location: 12q24.33.
Variant type: single nucleotide variant.
Coding change: c.2675A>G on transcript NM_006231.4 (MANE Select); coding-DNA position 2675, A replaced by G.
Protein change: p.Tyr892Cys; replaces tyrosine 892 with cysteine.
Molecular consequence: missense variant.
Genome position (GRCh38, 1-based): chr12:132,664,035, T>C on the plus strand (A>G on the coding strand, the complement: POLE is on the minus strand). VCF-style: chr12-132664035-T-C. GRCh37 (hg19) VCF-style: chr12-133240621-T-C.
Other names: short protein forms Y892C.
Identifiers: ClinVar variation 2696434 (VCV002696434.3), dbSNP rs2135956591, ClinGen allele CA387395201.